The following is an entry in ClinVar:

ClinVar aggregate classification (germline): Uncertain significance (1 of 4 stars; one submission).

Conditions:
Inborn genetic diseases. Identifiers: MedGen C0950123, MeSH D030342.

Submission:

Ambry Genetics
Classification: Uncertain significance for Inborn genetic diseases. Last evaluated: 2023-05-04. Review status: criteria provided, single submitter. Criteria: Ambry Variant Classification Scheme 2023. Collection method: clinical testing. Allele origin: germline.
Comment: The p.E2059K variant (also known as c.6175G>A), located in coding exon 36 of the ATR gene, results from a G to A substitution at nucleotide position 6175. The glutamic acid at codon 2059 is replaced by lysine, an amino acid with similar properties. This amino acid position is conserved. In addition, the in silico prediction for this alteration is inconclusive. Since supporting evidence is limited at this time, the clinical significance of this alteration remains unclear.

NM_001184.4(ATR):c.6175G>A (p.Glu2059Lys)

Genes: ATR (ATR checkpoint kinase; minus strand), LOC126806830 (BRD4-independent group 4 enhancer GRCh37_chr3:142203676-142204875; plus strand). Cytogenetic location: 3q23.
Variant type: single nucleotide variant.
Coding change: c.6175G>A on transcript NM_001184.4 (MANE Select); coding-DNA position 6175, G replaced by A.
Protein change: p.Glu2059Lys; replaces glutamic acid 2059 with lysine.
Molecular consequence: missense variant.
Genome position (GRCh38, 1-based): chr3:142,485,186, C>T on the plus strand (G>A on the coding strand, the complement: ATR is on the minus strand). VCF-style: chr3-142485186-C-T. GRCh37 (hg19) VCF-style: chr3-142204028-C-T.
Other names: c.5983G>A, p.Glu1995Lys (NM_001354579.2); short protein forms E1995K, E2059K.
Identifiers: ClinVar variation 2567821 (VCV002567821.2), dbSNP rs2108311061, ClinGen allele CA354809539.